The following is an entry in ClinVar:

NM_000157.4(GBA1):c.1110C>G (p.Phe370Leu)

Genes: GBA1 (glucosylceramidase beta 1; minus strand), LOC106627981 (GBA recombination region; plus strand). Cytogenetic location: 1q22.
Variant type: single nucleotide variant.
Coding change: c.1110C>G on transcript NM_000157.4 (MANE Select); coding-DNA position 1110, C replaced by G.
Protein change: p.Phe370Leu; replaces phenylalanine 370 with leucine.
Molecular consequence: missense variant.
Genome position (GRCh38, 1-based): chr1:155,236,359, G>C on the plus strand (C>G on the coding strand, the complement: GBA1 is on the minus strand). VCF-style: chr1-155236359-G-C. GRCh37 (hg19) VCF-style: chr1-155206150-G-C.
Other names: c.1110C>G, p.Phe370Leu (NM_001005741.3, NM_001005742.3); c.849C>G, p.Phe283Leu (NM_001171811.2); c.963C>G, p.Phe321Leu (NM_001171812.2); short protein forms F283L, F321L, F370L.
Identifiers: ClinVar variation 4817673 (VCV004817673.1).

ClinVar aggregate classification (germline): Likely pathogenic (1 of 4 stars; one submission).

Conditions:
Gaucher disease. Also called: Acute cerebral Gaucher disease; Cerebroside lipidosis syndrome; Gaucher splenomegaly; Sphingolipidosis 1; Glucocerebrosidosis; Glucosylceramidase deficiency. Identifiers: Orphanet 355, MedGen C0017205, MONDO:0018150.

Submission:

Natera, Inc.
Classification: Likely pathogenic for Gaucher disease. Last evaluated: 2025-06-25. Review status: criteria provided, single submitter. Criteria: Natera Variant Classification Schema (03/2026). Collection method: clinical testing. Allele origin: germline.
Comment: The c.1110C>G variant in GBA1 is a missense variant predicted to cause substitution of phenylalanine to leucine at amino acid 370. This variant is rare in the general population with a frequency below the threshold expected for the associated phenotype(s). This variant has been observed in one or more individuals affected with the associated recessive disease, as either homozygous or compound heterozygous with a second variant (PMID: 20729108). Another variant at this same site results in an alteration predicted to cause a similar molecular effect has been observed in individual(s) with the associated phenotype. Computational prediction algorithms indicate this variant is likely to affect gene or protein function. Given the available evidence, this variant is classified as Likely Pathogenic.

Literature cited by the submitters: PubMed 20729108.